The following is an entry in ClinVar:

NM_003332.4(TYROBP):c.277-27_277-11dup

Gene: TYROBP (transmembrane immune signaling adaptor TYROBP; minus strand). Cytogenetic location: 19q13.12.
Variant type: Duplication.
Coding change: c.277-27_277-11dup on transcript NM_003332.4 (MANE Select); 27 bases into the intron before coding-DNA position 277 through 11 bases into the intron before coding-DNA position 277, 17 bases duplicated (TTCCACTGATGGCCCCC).
Molecular consequence: intron variant.
Genome position (GRCh38, 1-based): chr19:35,904,645-35,904,661, GGGGGCCATCAGTGGAA duplicated on the plus strand (TTCCACTGATGGCCCCC on the coding strand, the reverse complement: TYROBP is on the minus strand); duplicating any 17 consecutive bases within chr19:35,904,645-35,904,664 gives the same sequence; the c. name uses the placement nearest the transcript's 3' end. VCF-style (leftmost placement, unchanged base first): chr19-35904644-T-TGGGGGCCATCAGTGGAA. GRCh37 (hg19) VCF-style: chr19-36395546-T-TGGGGGCCATCAGTGGAA.
Other names: p.?; c.241-27_241-11dup (NM_001173515.2); c.244-27_244-11dup (NM_001173514.2); c.274-27_274-11dup (NM_198125.3).
Identifiers: ClinVar variation 1910161 (VCV001910161.6), dbSNP rs765150640, ClinGen allele CA9393012.

ClinVar aggregate classification (germline): Likely benign. Review status: criteria provided, multiple submitters, no conflicts (2 of 4 stars). 2 submissions from 2 submitters: Likely benign (2). Last evaluated 2025-10-21.

Submissions (2):

Labcorp Genetics (formerly Invitae), Labcorp
Classification: Likely benign. Last evaluated: 2025-10-21. Review status: criteria provided, single submitter. Criteria: Invitae Variant Classification Sherloc (09022015). Collection method: clinical testing. Allele origin: germline.

Mayo Clinic Laboratories, Mayo Clinic
Classification: Likely benign. Last evaluated: 2025-06-27. Review status: criteria provided, single submitter. Criteria: ACMG Guidelines, 2015. Collection method: clinical testing. Allele origin: germline. Observed: 1 variant allele.
Comment: BP4, BP7